The following is an entry in ClinVar:

ClinVar aggregate classification (germline): Uncertain significance. Review status: criteria provided, multiple submitters, no conflicts (2 of 4 stars). 3 submissions from 3 submitters: Uncertain significance (3). Last evaluated 2026-03-30.

Conditions:
Hyperinsulinemic hypoglycemia, familial, 1 (HHF1). Also called: HYPERINSULINISM, FAMILIAL, WITH PANCREATIC NESIDIOBLASTOSIS; HYPOGLYCEMIA, HYPERINSULINEMIC, OF INFANCY; NESIDIOBLASTOSIS OF PANCREAS; Persistent Hyperinsulinemia Hypoglycemia of Infancy; Persistent hyperinsulinemic hypoglycemia of infancy. Identifiers: Orphanet 276575, Orphanet 276598, MedGen C2931832, MONDO:0009734, OMIM 256450.

gnomAD v4.1: 27 of 1,614,068 alleles (0.0017%); highest among the groups gnomAD compares: Non-Finnish European, 0.0023%; no homozygotes.

Submissions (3):

GeneDx
Classification: Uncertain significance. Last evaluated: 2026-03-30. Review status: criteria provided, single submitter. Criteria: GeneDx Variant Classification Process June 2021. Collection method: clinical testing. Allele origin: germline.
Comment: Observed with a second ABCC8 variant on the opposite allele (in trans) in a patient with congenital hyperinsulinism; this patient also harbors a variant in the HNF4A gene inherited from the father with a history of type 2 diabetes (PMID: 30730840); In silico analysis supports that this missense variant has a deleterious effect on protein structure/function; Not observed at significant frequency in large population cohorts (gnomAD); This variant is associated with the following publications: (PMID: 40832409, 30730840)

Broad Center for Mendelian Genomics, Broad Institute of MIT and Harvard
Classification: Uncertain significance for Hyperinsulinemic hypoglycemia, familial, 1. Last evaluated: 2025-04-24. Review status: criteria provided, single submitter. Criteria: ACMG Guidelines, 2015. Collection method: curation. Allele origin: germline. Inheritance: Autosomal recessive inheritance.
Comment: The p.Gly92Ser variant in ABCC8 has been previously reported in 1 individual with hyperinsulinemic hypoglycemia (PMID: 30730840), and has been seen in 0.002% (2/129142) of European (non-Finnish) chromosomes by the Genome Aggregation Database (gnomAD; dbSNP: rs780870376). Although this variant has been seen in the general population in a heterozygous state, its frequency is low enough to be consistent with a recessive carrier frequency. Computational prediction tools and conservation analyses suggest that this variant may impact the protein, though this information is not predictive enough to determine pathogenicity. In summary, the clinical significance of the p.Gly92Ser variant is uncertain. ACMG/AMP Criteria applied: PP3, PM2_supporting (Richards 2015).

Labcorp Genetics (formerly Invitae), Labcorp
Classification: Uncertain significance. Last evaluated: 2024-03-26. Review status: criteria provided, single submitter. Criteria: Invitae Variant Classification Sherloc (09022015). Collection method: clinical testing. Allele origin: germline.
Comment: This sequence change replaces glycine, which is neutral and non-polar, with serine, which is neutral and polar, at codon 92 of the ABCC8 protein (p.Gly92Ser). This variant is present in population databases (rs780870376, gnomAD 0.002%). This missense change has been observed in individual(s) with congenital hyperinsulinism (PMID: 30730840). Advanced modeling of protein sequence and biophysical properties (such as structural, functional, and spatial information, amino acid conservation, physicochemical variation, residue mobility, and thermodynamic stability) performed at Invitae indicates that this missense variant is expected to disrupt ABCC8 protein function with a positive predictive value of 95%. In summary, the available evidence is currently insufficient to determine the role of this variant in disease. Therefore, it has been classified as a Variant of Uncertain Significance.

Literature cited by the submitters: PubMed 30730840 (cited by Broad Center for Mendelian Genomics, Broad Institute of MIT and Harvard and Labcorp Genetics (formerly Invitae), Labcorp).

NM_000352.6(ABCC8):c.274G>A (p.Gly92Ser)

Gene: ABCC8 (ATP binding cassette subfamily C member 8; minus strand). Cytogenetic location: 11p15.1.
Variant type: single nucleotide variant.
Coding change: c.274G>A on transcript NM_000352.6 (MANE Select); coding-DNA position 274, G replaced by A.
Protein change: p.Gly92Ser; replaces glycine 92 with serine.
Molecular consequence: missense variant. On other transcripts: non-coding transcript variant (1).
Genome position (GRCh38, 1-based): chr11:17,474,902, C>T on the plus strand (G>A on the coding strand, the complement: ABCC8 is on the minus strand). VCF-style: chr11-17474902-C-T. GRCh37 (hg19) VCF-style: chr11-17496449-C-T.
Other names: NM_001287174.3:c.274G>A; c.274G>A, p.Gly92Ser (NM_001287174.3, NM_001351295.2, NM_001351296.2 and 1 more transcripts); c.274G>A (NM_000352.3); short protein forms G92S.
Identifiers: ClinVar variation 3721179 (VCV003721179.4).